The following is an entry in ClinVar:

NM_001378454.1(ALMS1):c.7684A>G (p.Ser2562Gly)

Gene: ALMS1 (ALMS1 centrosome and basal body associated protein; plus strand). Cytogenetic location: 2p13.1.
Variant type: single nucleotide variant.
Coding change: c.7684A>G on transcript NM_001378454.1 (MANE Select); coding-DNA position 7684, A replaced by G.
Protein change: p.Ser2562Gly; replaces serine 2562 with glycine.
Molecular consequence: missense variant.
Genome position (GRCh38, 1-based): chr2:73,489,643, A>G. VCF-style: chr2-73489643-A-G. GRCh37 (hg19) VCF-style: chr2-73716770-A-G.
Other names: c.7687A>G, p.Ser2563Gly (NM_015120.4); short protein forms S2563G, S2562G.
Identifiers: ClinVar variation 2150327 (VCV002150327.7), dbSNP rs772417159, ClinGen allele CA1714317.
Genomic context (GRCh38, chr2:73,489,643, plus strand): 5'-ATAACTACTTGGACTACTTCAAATAAGAACCTGTTTGTTTGTATCTTCTAGGGTTTACAG[A>G]GTCCACGGGGAATGGGATGCAAGCCAGAAGCTGTATGTAGTCACATTATTATTGAGAGCC-3'
Protein context (NP_001365383.1, residues 2552-2572): RTTDLSKGLQ[Ser2562Gly]PRGMGCKPEA

ClinVar aggregate classification (germline): Uncertain significance. Review status: criteria provided, multiple submitters, no conflicts (2 of 4 stars). 3 submissions from 3 submitters: Uncertain significance (3). Last evaluated 2025-12-04.

Conditions:
Alstrom syndrome (ALMS). Identifiers: Orphanet 64, MedGen C0268425, MONDO:0008763, OMIM 203800.
Cardiovascular phenotype. Identifiers: MedGen CN230736.

Allele frequency attached by ClinVar (database versions not stated): gnomAD 0.00001; TOPMed 0.00001; ExAC 0.00002.
gnomAD v4.1: 98 of 1,614,060 alleles (0.0061%); highest among the groups gnomAD compares: Non-Finnish European, 0.008%; no homozygotes.

Submissions (3):

Ambry Genetics
Classification: Uncertain significance for Cardiovascular phenotype. Last evaluated: 2025-12-04. Review status: criteria provided, single submitter. Criteria: Ambry Variant Classification Scheme 2023. Collection method: clinical testing. Allele origin: germline.
Comment: The p.S2563G variant (also known as c.7687A>G), located in coding exon 10 of the ALMS1 gene, results from an A to G substitution at nucleotide position 7687. The serine at codon 2563 is replaced by glycine, an amino acid with similar properties. This amino acid position is highly conserved in available vertebrate species. In addition, the in silico prediction for this alteration is inconclusive. Based on the available evidence, the clinical significance of this variant remains unclear.

GeneDx
Classification: Uncertain significance. Last evaluated: 2023-01-19. Review status: criteria provided, single submitter. Criteria: GeneDx Variant Classification Process June 2021. Collection method: clinical testing. Allele origin: germline. Affected: yes.
Comment: Not observed at significant frequency in large population cohorts (gnomAD); In silico analysis supports that this missense variant does not alter protein structure/function; Has not been previously published as pathogenic or benign to our knowledge

Labcorp Genetics (formerly Invitae), Labcorp
Classification: Uncertain significance for Alstrom syndrome. Last evaluated: 2022-09-02. Review status: criteria provided, single submitter. Criteria: Invitae Variant Classification Sherloc (09022015). Collection method: clinical testing. Allele origin: germline.
Comment: This sequence change replaces serine, which is neutral and polar, with glycine, which is neutral and non-polar, at codon 2563 of the ALMS1 protein (p.Ser2563Gly). This variant is present in population databases (rs772417159, gnomAD 0.002%). This variant has not been reported in the literature in individuals affected with ALMS1-related conditions. Experimental studies and prediction algorithms are not available or were not evaluated, and the functional significance of this variant is currently unknown. In summary, the available evidence is currently insufficient to determine the role of this variant in disease. Therefore, it has been classified as a Variant of Uncertain Significance.